The following is an entry in ClinVar:

ClinVar aggregate classification (germline): Uncertain significance. Review status: criteria provided, multiple submitters, no conflicts (2 of 4 stars). 5 submissions from 5 submitters: Uncertain significance (5). Last evaluated 2025-09-11.

Conditions:
TECTA-related disorder. Also called: TECTA-related condition.
Inborn genetic diseases. Identifiers: MedGen C0950123, MeSH D030342.

Allele frequency attached by ClinVar (database versions not stated): gnomAD exomes 0.00003 and 0.00006; ExAC 0.00007; gnomAD 0.00014 and 0.00015; ESP Exome Variant Server 0.00015; TOPMed 0.00015; 1000 Genomes Project 0.00060; 1000 Genomes Project 30x 0.00062.
gnomAD v4.1: 61 of 1,614,220 alleles (0.0038%); highest among the groups gnomAD compares: African/African-American, 0.064%; no homozygotes.

Submissions (5):

Ambry Genetics
Classification: Uncertain significance for Inborn genetic diseases. Last evaluated: 2025-09-11. Review status: criteria provided, single submitter. Criteria: Ambry Variant Classification Scheme 2023. Collection method: clinical testing. Allele origin: germline.

GeneDx
Classification: Uncertain significance. Last evaluated: 2025-07-06. Review status: criteria provided, single submitter. Criteria: GeneDx Variant Classification Process June 2021. Collection method: clinical testing. Allele origin: germline. Affected: yes.
Comment: In silico analysis supports that this missense variant has a deleterious effect on protein structure/function; Has not been previously published as pathogenic or benign to our knowledge; This variant is associated with the following publications: (PMID: 21520338, 31554319, 9590290)

PreventionGenetics, part of Exact Sciences
Classification: Uncertain significance for TECTA-related condition. Last evaluated: 2025-03-24. Review status: criteria provided, single submitter. Criteria: ACMG Guidelines, 2015. Collection method: clinical testing. Allele origin: germline.
Comment: The TECTA c.2575G>A variant is predicted to result in the amino acid substitution p.Glu859Lys. To our knowledge, this variant has not been reported in the literature. This variant is reported in 0.064% of alleles in individuals of African descent in gnomAD. Although we suspect that this variant may be benign, at this time, the clinical significance of this variant is uncertain due to the absence of conclusive functional and genetic evidence.

Blueprint Genetics
Classification: Uncertain significance. Last evaluated: 2021-06-16. Review status: criteria provided, single submitter. Criteria: ACMG Guidelines, 2015. Collection method: clinical testing. Allele origin: germline.

Laboratory for Molecular Medicine, Mass General Brigham Personalized Medicine
Classification: Uncertain significance. Last evaluated: 2015-11-25. Review status: criteria provided, single submitter. Criteria: LMM Criteria. Collection method: clinical testing. Allele origin: germline. Observed: 1 variant allele.
Comment: The p.Glu859Lys variant in TECTA has not been previously identified in individua ls with hearing loss, but has been identified in 6/10406 African chromosomes by the Exome Aggregation Consortium (ExAC; dbSNP rs 192787819). Although this variant has been seen in the general population, its f requency is not high enough to rule out a pathogenic role. Computational predict ion tools and conservation analysis suggest that this variant may impact the pro tein, though this information is not predictive enough to determine pathogenicit y. In summary, the clinical significance of the p.Glu859Lys variant is uncertain .

NM_005422.4(TECTA):c.2575G>A (p.Glu859Lys)

Genes: TBCEL-TECTA (TBCEL-TECTA readthrough; plus strand), TECTA (tectorin alpha; plus strand), LOC126861365 (P300/CBP strongly-dependent group 1 enhancer GRCh37_chr11:121000154-121001353; plus strand). Cytogenetic location: 11q23.3.
Variant type: single nucleotide variant.
Coding change: c.2575G>A on transcript NM_005422.4 (MANE Select); coding-DNA position 2575, G replaced by A.
Protein change: p.Glu859Lys; replaces glutamic acid 859 with lysine.
Molecular consequence: missense variant.
Genome position (GRCh38, 1-based): chr11:121,129,845, G>A. VCF-style: chr11-121129845-G-A. GRCh37 (hg19) VCF-style: chr11-121000554-G-A.
Other names: c.3532G>A, p.Glu1178Lys (NM_001378761.1); short protein forms E859K, E1178K.
Identifiers: ClinVar variation 229294 (VCV000229294.11), dbSNP rs192787819, ClinGen allele CA6327020.